The following is an entry in ClinVar:

ClinVar aggregate classification (germline): Likely benign (1 of 4 stars; one submission).

Conditions:
Malignant hyperthermia, susceptibility to, 5 (MHS5). Also called: CACNA1S-Related Malignant Hyperthermia Susceptibility. Identifiers: Orphanet 423, MedGen C1866077, MONDO:0011163, OMIM 601887.

Submission:

All of Us Research Program, National Institutes of Health
Classification: Likely benign for Malignant hyperthermia, susceptibility to, 5. Last evaluated: 2024-04-16. Review status: criteria provided, single submitter. Criteria: ACMG Guidelines, 2015. Collection method: clinical testing. Allele origin: germline. Inheritance: Autosomal dominant inheritance. Observed: 1 variant allele, 1 heterozygote.
Comment: This study involves interpretation of variants in research participants for the purpose of population health screening. Participant phenotype was not available at the time of variant classification. Additional details can be found in publication PMID: 35346344, PMCID: PMC8962531

NM_000069.3(CACNA1S):c.2228-9T>G

Gene: CACNA1S (calcium voltage-gated channel subunit alpha1 S; minus strand). Cytogenetic location: 1q32.1.
Variant type: single nucleotide variant.
Coding change: c.2228-9T>G on transcript NM_000069.3 (MANE Select); 9 bases into the intron before coding-DNA position 2228, T replaced by G.
Molecular consequence: intron variant.
Genome position (GRCh38, 1-based): chr1:201,070,413, A>C on the plus strand (T>G on the coding strand, the complement: CACNA1S is on the minus strand). VCF-style: chr1-201070413-A-C. GRCh37 (hg19) VCF-style: chr1-201039541-A-C.
Identifiers: ClinVar variation 3386355 (VCV003386355.1).